The following is an entry in ClinVar:

ClinVar aggregate classification (germline): Uncertain significance (1 of 4 stars; one submission).

Conditions:
Familial thoracic aortic aneurysm and aortic dissection (TAAD). Also called: Thoracic aortic aneurysms and dissections. Identifiers: Orphanet 91387, MedGen C4707243, MONDO:0019625.

Submission:

Ambry Genetics
Classification: Uncertain significance for Familial thoracic aortic aneurysm and aortic dissection. Last evaluated: 2026-09-07. Review status: criteria provided, single submitter. Criteria: Ambry Variant Classification Scheme 2023. Collection method: clinical testing. Allele origin: germline.
Comment: The p.G1471R variant (also known as c.4411G>A), located in coding exon 23 of the MYLK gene, results from a G to A substitution at nucleotide position 4411. The glycine at codon 1471 is replaced by arginine, an amino acid with dissimilar properties. This amino acid position is conserved. In addition, this alteration is predicted to be deleterious by in silico analysis. Based on the available evidence, the clinical significance of this variant remains unclear.

NM_053025.4(MYLK):c.4411G>A (p.Gly1471Arg)

Gene: MYLK (myosin light chain kinase; minus strand). Cytogenetic location: 3q21.1.
Variant type: single nucleotide variant.
Coding change: c.4411G>A on transcript NM_053025.4 (MANE Select); coding-DNA position 4411, G replaced by A.
Protein change: p.Gly1471Arg; replaces glycine 1471 with arginine.
Molecular consequence: missense variant.
Genome position (GRCh38, 1-based): chr3:123,648,975, C>T on the plus strand (G>A on the coding strand, the complement: MYLK is on the minus strand). VCF-style: chr3-123648975-C-T. GRCh37 (hg19) VCF-style: chr3-123367822-C-T.
Other names: c.3883G>A, p.Gly1295Arg (NM_001321309.2); c.4204G>A, p.Gly1402Arg (NM_053026.4, NM_053028.4); c.4411G>A, p.Gly1471Arg (NM_053027.4); short protein forms G1295R, G1402R, G1471R.
Identifiers: ClinVar variation 5025218 (VCV005025218.1).